The following is an entry in ClinVar:

ClinVar aggregate classification (germline): Uncertain significance. Review status: criteria provided, multiple submitters, no conflicts (2 of 4 stars). 2 submissions from 2 submitters: Uncertain significance (2). Last evaluated 2025-04-28.

Allele frequency attached by ClinVar (database versions not stated): gnomAD 0.00005.

Submissions (2):

Ambry Genetics
Classification: Uncertain significance. Last evaluated: 2025-04-28. Review status: criteria provided, single submitter. Criteria: Ambry Variant Classification Scheme 2023. Collection method: clinical testing. Allele origin: germline.

Labcorp Genetics (formerly Invitae), Labcorp
Classification: Uncertain significance. Last evaluated: 2024-05-28. Review status: criteria provided, single submitter. Criteria: Invitae Variant Classification Sherloc (09022015). Collection method: clinical testing. Allele origin: germline.
Comment: This sequence change replaces isoleucine, which is neutral and non-polar, with threonine, which is neutral and polar, at codon 628 of the GEN1 protein (p.Ile628Thr). This variant is present in population databases (rs766427481, gnomAD 0.04%). This variant has not been reported in the literature in individuals affected with GEN1-related conditions. ClinVar contains an entry for this variant (Variation ID: 1376889). Algorithms developed to predict the effect of missense changes on protein structure and function output the following: SIFT: "Not Available"; PolyPhen-2: "Benign"; Align-GVGD: "Not Available". The threonine amino acid residue is found in multiple mammalian species, which suggests that this missense change does not adversely affect protein function. In summary, the available evidence is currently insufficient to determine the role of this variant in disease. Therefore, it has been classified as a Variant of Uncertain Significance.

NM_001130009.3(GEN1):c.1883T>C (p.Ile628Thr)

Gene: GEN1 (GEN1 structure-specific endonuclease; plus strand). Cytogenetic location: 2p24.2.
Variant type: single nucleotide variant.
Coding change: c.1883T>C on transcript NM_001130009.3 (MANE Select); coding-DNA position 1883, T replaced by C.
Protein change: p.Ile628Thr; replaces isoleucine 628 with threonine.
Molecular consequence: missense variant.
Genome position (GRCh38, 1-based): chr2:17,781,095, T>C. VCF-style: chr2-17781095-T-C. GRCh37 (hg19) VCF-style: chr2-17962362-T-C.
Other names: c.1883T>C (NM_001130009.1); c.1883T>C, p.Ile628Thr (NM_182625.5); short protein forms I628T.
Identifiers: ClinVar variation 1376889 (VCV001376889.8), dbSNP rs766427481, ClinGen allele CA1540846.